The following is an entry in ClinVar:

NM_001122630.2(CDKN1C):c.455CTCCGGTCGCGG[5] (p.152APVA[5])

Gene: CDKN1C (cyclin dependent kinase inhibitor 1C; minus strand). Cytogenetic location: 11p15.4.
Variant type: Microsatellite.
Coding change: c.455CTCCGGTCGCGG[5] on transcript NM_001122630.2 (MANE Select); five copies in a row of the 12-base unit CTCCGGTCGCGG starting at c.455; the reference has three copies in a row; two copies, 24 bases duplicated.
Protein change: p.152APVA[5].
Molecular consequence: inframe insertion. On other transcripts: intron variant (1).
Genome position (GRCh38, 1-based): chr11:2,884,967-2,884,990, CCGCGACCGGAGCCGCGACCGGAG duplicated on the plus strand (CTCCGGTCGCGGCTCCGGTCGCGG on the coding strand, the reverse complement: CDKN1C is on the minus strand); duplicating any 24 consecutive bases within chr11:2,884,967-2,885,005 gives the same sequence; the position shown is the placement nearest the transcript's 3' end. VCF-style (leftmost placement, unchanged base first): chr11-2884966-A-ACCGCGACCGGAGCCGCGACCGGAG. GRCh37 (hg19) VCF-style: chr11-2906196-A-ACCGCGACCGGAGCCGCGACCGGAG.
Other names: c.500_523dup (NM_000076.2); c.488CTCCGGTCGCGG[5], p.163APVA[5] (NM_000076.2, NM_001362474.2); c.455CTCCGGTCGCGG[5], p.152APVA[5] (NM_001122631.2); c.255+200CTCCGGTCGCGG[5] (NM_001362475.2); c.500_523dup24 (NM_000076.2).
Identifiers: ClinVar variation 454007 (VCV000454007.13), dbSNP rs565544512, ClinGen allele CA597432655.
Genomic context (GRCh38, chr11:2,884,966, plus strand): 5'-ACTGGAGCCGGGGCCGGAGCCGGAGCCGGAGCCGGGGCCGGGGCCGGGGCCAGGACCGCG[A>ACCGCGACCGGAGCCGCGACCGGAG]CCGCGACCGGAGCCGCGACCGGAGCCGCGACCGGAGCCGGAGCCGGGGCCGGGGCTGGAG-3'

ClinVar aggregate classification (germline): Conflicting classifications of pathogenicity. Review status: criteria provided, conflicting classifications (1 of 4 stars). 3 submissions from 3 submitters: Uncertain significance (2); Likely benign (1). Last evaluated 2025-03-19.

Conditions:
CDKN1C-related disorder. Also called: CDKN1C-related condition.
Beckwith-Wiedemann syndrome (BWS). Also called: EMG SYNDROME; Exomphalos macroglossia gigantism syndrome. Identifiers: Orphanet 116, MedGen C0004903, MONDO:0007534, OMIM 130650.
IMAGe syndrome. Also called: Intrauterine growth retardation, metaphyseal dysplasia, adrenal hypoplasia congenita, and genital anomalies; Intrauterine Growth Restriction, Metaphyseal Dysplasia, Adrenal Hypoplasia Congenita, and Genital Anomalies. Identifiers: Orphanet 85173, MedGen C1846009, MONDO:0013873, OMIM 614732.

Submissions (3):

Labcorp Genetics (formerly Invitae), Labcorp
Classification: Likely benign for Beckwith-Wiedemann syndrome. Last evaluated: 2025-03-19. Review status: criteria provided, single submitter. Criteria: Invitae Variant Classification Sherloc (09022015). Collection method: clinical testing. Allele origin: germline.

Fulgent Genetics
Classification: Uncertain significance for Beckwith-Wiedemann syndrome; IMAGe syndrome. Last evaluated: 2024-02-20. Review status: criteria provided, single submitter. Criteria: ACMG Guidelines, 2015. Collection method: clinical testing. Allele origin: germline.

PreventionGenetics, part of Exact Sciences
Classification: Uncertain significance for CDKN1C-related condition. Last evaluated: 2022-08-31. Review status: criteria provided, single submitter. Criteria: ACMG Guidelines, 2015. Collection method: clinical testing. Allele origin: germline.
Comment: The CDKN1C c.500_523dup24 variant is predicted to result in an in-frame duplication (p.Ala167_Ala174dup). To our knowledge, this variant has not been reported in the literature or in a large population database, indicating this variant is rare. In ClinVar, this variant is interpreted as likely benign by one submitter. At this time, the clinical significance of this variant is uncertain due to the absence of conclusive functional and genetic evidence.